The following is an entry in ClinVar:

ClinVar aggregate classification (germline): Uncertain significance (1 of 4 stars; one submission).

Conditions:
COG5-congenital disorder of glycosylation. Also called: CDG IIi; COG5-CDG; CONGENITAL DISORDER OF GLYCOSYLATION, TYPE IIi. Identifiers: Orphanet 263487, MedGen C3150876, MONDO:0013325, OMIM 613612.

Submission:

Kasturba Medical College, Manipal, Kasturba Medical College, Manipal, Manipal Academy of Higher Education, Manipal, India
Classification: Uncertain significance for COG5-congenital disorder of glycosylation. Review status: criteria provided, single submitter. Criteria: ACMG Guidelines, 2015. Collection method: research. Allele origin: unknown. Inheritance: Autosomal recessive inheritance. Affected: yes. Observed: 1 homozygote.
Comment: Father’s sample was not available for testing. This variant is absent in homozygous and/or heterozygous state in the gnomAD population database (v4.1.0) and our in-house exome database of 3851 individuals. This deletion is predicted to cause shift in the reading frame of the transcript which will either lead to nonsense-mediated mRNA decay or formation of a truncated protein product. A downstream loss-of-function variant, c.2518G>T p.Glu840Ter, has been reported in two individuals from an unrelated family with global developmental delay, moderate intellectual disability and non-progressive microcephaly without cerebellar hypoplasia (Rymen et al, 2012). There are two additional downstream loss-of-function variants reported as pathogenic/likely pathogenic in ClinVar database (VCV000932927.1, VCV000817509.3). However, two individuals homozygous for a loss-of-function variant c.2485C>T; p.(Gln829Ter) are reported in gnomAD v4.1.0, indicating that some loss-of-function variants in this region may be tolerated in the general population.

Literature cited by the submitters: PubMed 23228021.

NM_006348.5(COG5):c.2393_2397del (p.Tyr798fs)

Gene: COG5 (component of oligomeric golgi complex 5; minus strand). Cytogenetic location: 7q22.3.
Variant type: Deletion.
Coding change: c.2393_2397del on transcript NM_006348.5 (MANE Select); coding-DNA positions 2393 to 2397, 5 bases deleted (ATGTT; older notation c.2393_2397delATGTT).
Protein change: p.Tyr798fs; shifts the reading frame from tyrosine 798.
Molecular consequence: frameshift variant.
Genome position (GRCh38, 1-based): chr7:107,203,609-107,203,613, AACAT deleted on the plus strand (ATGTT on the coding strand, the reverse complement: COG5 is on the minus strand); deleting any 5 consecutive bases within chr7:107,203,609-107,203,615 gives the same sequence; the c. name uses the placement nearest the transcript's 3' end. VCF-style (leftmost placement, unchanged base first): chr7-107203608-GAACAT-G. GRCh37 (hg19) VCF-style: chr7-106844053-GAACAT-G.
Other names: c.2231_2235del, p.Tyr744fs (NM_001379511.1); c.2219_2223del, p.Tyr740fs (NM_001379512.1); c.2186_2190del, p.Tyr729fs (NM_001379513.1); c.2078_2082del, p.Tyr693fs (NM_001379514.1); c.1823_1827del, p.Tyr608fs (NM_001379515.1); c.1679_1683del, p.Tyr560fs (NM_001379516.1); c.2330_2334del, p.Tyr777fs (NM_181733.4); short protein forms Y560fs, Y608fs, Y693fs, Y729fs, Y740fs, Y744fs, Y777fs, Y798fs.
Identifiers: ClinVar variation 4686560 (VCV004686560.1).